The following is an entry in ClinVar:

ClinVar aggregate classification (germline): Pathogenic. Review status: criteria provided, multiple submitters, no conflicts (2 of 4 stars). 3 submissions from 3 submitters: Pathogenic (3). Last evaluated 2025-08-08.

Conditions:
Hereditary cancer-predisposing syndrome. Also called: Hereditary neoplastic syndrome; Tumor predisposition; Hereditary Cancer Syndrome; Neoplastic Syndromes, Hereditary. Identifiers: Orphanet 140162, MedGen C0027672, MeSH D009386, MONDO:0015356.

Submissions (3):

GeneDx
Classification: Pathogenic. Last evaluated: 2025-08-08. Review status: criteria provided, single submitter. Criteria: GeneDx Variant Classification Process June 2021. Collection method: clinical testing. Allele origin: germline. Affected: yes.
Comment: Frameshift variant predicted to result in protein truncation or nonsense mediated decay in a gene for which loss of function is a known mechanism of disease; Not observed at significant frequency in large population cohorts (gnomAD); This variant is associated with the following publications: (PMID: 33807189)

Ambry Genetics
Classification: Pathogenic for Hereditary cancer-predisposing syndrome. Last evaluated: 2020-03-24. Review status: criteria provided, single submitter. Criteria: Ambry Variant Classification Scheme 2023. Collection method: clinical testing. Allele origin: germline.
Comment: The c.54_79del26 pathogenic mutation, located in coding exon 1 of the RB1 gene, results from a deletion of 26 nucleotides at nucleotide positions 54 to 79, causing a translational frameshift with a predicted alternate stop codon (p.E19Pfs*3). This alteration is expected to result in loss of function by premature protein truncation or nonsense-mediated mRNA decay. As such, this alteration is interpreted as a disease-causing mutation.

Eurofins Ntd Llc (ga)
Classification: Pathogenic. Last evaluated: 2014-03-19. Review status: criteria provided, single submitter. Criteria: EGL Classification Definitions. Collection method: clinical testing. Allele origin: germline. Observed: 1 variant allele, 1 heterozygote.

NM_000321.3(RB1):c.54_79del (p.Glu19fs)

Gene: RB1 (RB transcriptional corepressor 1; plus strand). Cytogenetic location: 13q14.2.
Variant type: Deletion.
Coding change: c.54_79del on transcript NM_000321.3 (MANE Select); coding-DNA positions 54 to 79, 26 bases deleted (GGAACCCCCGGCACCGCCGCCGCCGC).
Protein change: p.Glu19fs; shifts the reading frame from glutamic acid 19.
Molecular consequence: frameshift variant.
Genome position (GRCh38, 1-based): chr13:48,303,966-48,303,991, GGAACCCCCGGCACCGCCGCCGCCGC deleted; deleting any 26 consecutive bases within chr13:48,303,958-48,303,991 gives the same sequence; the c. name uses the placement nearest the transcript's 3' end. VCF-style (leftmost placement, unchanged base first): chr13-48303957-TGCCGCCGCGGAACCCCCGGCACCGCC-T. GRCh37 (hg19) VCF-style: chr13-48878093-TGCCGCCGCGGAACCCCCGGCACCGCC-T.
Other names: c.54_79del26 (NM_000321.2); c.54_79del (NM_000321.2); short protein forms E19fs.
Identifiers: ClinVar variation 167564 (VCV000167564.9), dbSNP rs727504120, ClinGen allele CA026461.
Genomic context (GRCh38, chr13:48,303,957, plus strand): 5'-GCCGCGGAAAGGCGTCATGCCGCCCAAAACCCCCCGAAAAACGGCCGCCACCGCCGCCGC[TGCCGCCGCGGAACCCCCGGCACCGCC>T]GCCGCCGCCCCCTCCTGAGGAGGACCCAGAGCAGGACAGCGGCCCGGAGGACCTGCCTCT-3'